The following is an entry in ClinVar:

NM_001873.4(CPE):c.40G>A (p.Gly14Arg)

Genes: CPE (carboxypeptidase E; plus strand), LOC129993339 (ATAC-STARR-seq lymphoblastoid silent region 15785; plus strand). Cytogenetic location: 4q32.3.
Variant type: single nucleotide variant.
Coding change: c.40G>A on transcript NM_001873.4 (MANE Select); coding-DNA position 40, G replaced by A.
Protein change: p.Gly14Arg; replaces glycine 14 with arginine.
Molecular consequence: missense variant.
Genome position (GRCh38, 1-based): chr4:165,379,261, G>A. VCF-style: chr4-165379261-G-A. GRCh37 (hg19) VCF-style: chr4-166300413-G-A.
Other names: short protein forms G14R.
Identifiers: ClinVar variation 3354048 (VCV003354048.1).

ClinVar aggregate classification (germline): Uncertain significance (0 of 4 stars; one submission).

Conditions:
CPE-related disorder. Also called: CPE-related condition.

gnomAD v4.1: 4 of 1,428,416 alleles (0.00028%); highest among the groups gnomAD compares: African/African-American, 0.006%; no homozygotes.

Submission:

PreventionGenetics, part of Exact Sciences
Classification: Uncertain significance for CPE-related condition. Last evaluated: 2024-06-06. Review status: no assertion criteria provided. Collection method: clinical testing. Allele origin: germline.
Comment: The CPE c.40G>A variant is predicted to result in the amino acid substitution p.Gly14Arg. To our knowledge, this variant has not been reported in the literature or in a large population database, indicating this variant is rare. At this time, the clinical significance of this variant is uncertain due to the absence of conclusive functional and genetic evidence.